The following is an entry in ClinVar:

NM_000264.5(PTCH1):c.655A>G (p.Ile219Val)

Gene: PTCH1 (patched 1; minus strand). Cytogenetic location: 9q22.32.
Variant type: single nucleotide variant.
Coding change: c.655A>G on transcript NM_000264.5 (MANE Select); coding-DNA position 655, A replaced by G.
Protein change: p.Ile219Val; replaces isoleucine 219 with valine.
Molecular consequence: missense variant. On other transcripts: non-coding transcript variant (1).
Genome position (GRCh38, 1-based): chr9:95,482,040, T>C on the plus strand (A>G on the coding strand, the complement: PTCH1 is on the minus strand). VCF-style: chr9-95482040-T-C. GRCh37 (hg19) VCF-style: chr9-98244322-T-C.
Other names: c.457A>G, p.Ile153Val (NM_001083602.3, NM_001354919.2); c.652A>G, p.Ile218Val (NM_001083603.3); c.202A>G, p.Ile68Val (NM_001083604.3, NM_001083605.3, NM_001083606.3 and 1 more transcripts); c.655A>G, p.Ile219Val (NM_001354918.2); short protein forms I153V, I219V, I68V, I218V.
Identifiers: ClinVar variation 965219 (VCV000965219.12), dbSNP rs1841580631, ClinGen allele CA374114993.

ClinVar aggregate classification (germline): Uncertain significance. Review status: criteria provided, multiple submitters, no conflicts (2 of 4 stars). 2 submissions from 2 submitters: Uncertain significance (2). Last evaluated 2024-10-11.

Conditions:
Hereditary cancer-predisposing syndrome. Also called: Hereditary neoplastic syndrome; Hereditary Cancer Syndrome; Tumor predisposition; Neoplastic Syndromes, Hereditary. Identifiers: Orphanet 140162, MedGen C0027672, MeSH D009386, MONDO:0015356.
Gorlin syndrome. Also called: Nevoid Basal Cell Carcinoma Syndrome; Basal cell nevus syndrome. Identifiers: Orphanet 377, MedGen C0004779, MONDO:0007187.

Allele frequency attached by ClinVar (database versions not stated): gnomAD exomes below 0.00001; TOPMed below 0.00001; gnomAD 0.00001.
gnomAD v4.1: 2 of 1,613,432 alleles (0.00012%); highest among the groups gnomAD compares: Non-Finnish European, 0.00017%; no homozygotes.

Submissions (2):

Ambry Genetics
Classification: Uncertain significance for Hereditary cancer-predisposing syndrome. Last evaluated: 2024-10-11. Review status: criteria provided, single submitter. Criteria: Ambry Variant Classification Scheme 2023. Collection method: clinical testing. Allele origin: germline.
Comment: The p.I219V variant (also known as c.655A>G) is located in coding exon 5 of the PTCH1 gene. The isoleucine at codon 219 is replaced by valine, an amino acid with highly similar properties. This change occurs in the first base pair of coding exon 5. This amino acid position is conserved. In addition, the in silico prediction for this alteration is inconclusive. Since supporting evidence is limited at this time, the clinical significance of this alteration remains unclear.

Labcorp Genetics (formerly Invitae), Labcorp
Classification: Uncertain significance for Gorlin syndrome. Last evaluated: 2023-08-18. Review status: criteria provided, single submitter. Criteria: Invitae Variant Classification Sherloc (09022015). Collection method: clinical testing. Allele origin: germline.
Comment: In summary, the available evidence is currently insufficient to determine the role of this variant in disease. Therefore, it has been classified as a Variant of Uncertain Significance. This sequence change replaces isoleucine, which is neutral and non-polar, with valine, which is neutral and non-polar, at codon 219 of the PTCH1 protein (p.Ile219Val). This variant is not present in population databases (gnomAD no frequency). This variant has not been reported in the literature in individuals affected with PTCH1-related conditions. ClinVar contains an entry for this variant (Variation ID: 965219). An algorithm developed to predict the effect of missense changes on protein structure and function (PolyPhen-2) suggests that this variant is likely to be tolerated.